The following is an entry in ClinVar:

ClinVar aggregate classification (germline): Uncertain significance (1 of 4 stars; one submission).

gnomAD v4.1: 4 of 1,598,252 alleles (0.00025%); highest among the groups gnomAD compares: South Asian, 0.0033%; no homozygotes.

Submission:

Labcorp Genetics (formerly Invitae), Labcorp
Classification: Uncertain significance. Last evaluated: 2022-07-01. Review status: criteria provided, single submitter. Criteria: Invitae Variant Classification Sherloc (09022015). Collection method: clinical testing. Allele origin: germline.
Comment: This variant is present in population databases (no rsID available, gnomAD 0.003%). In summary, the available evidence is currently insufficient to determine the role of this variant in disease. Therefore, it has been classified as a Variant of Uncertain Significance. Algorithms developed to predict the effect of missense changes on protein structure and function are either unavailable or do not agree on the potential impact of this missense change (SIFT: "Deleterious"; PolyPhen-2: "Benign"; Align-GVGD: "Class C0"). This variant has not been reported in the literature in individuals affected with ITPR1-related conditions. This sequence change replaces histidine, which is basic and polar, with glutamine, which is neutral and polar, at codon 93 of the ITPR1 protein (p.His93Gln).

NM_001378452.1(ITPR1):c.279C>A (p.His93Gln)

Gene: ITPR1 (inositol 1,4,5-trisphosphate receptor type 1; plus strand). Cytogenetic location: 3p26.1.
Variant type: single nucleotide variant.
Coding change: c.279C>A on transcript NM_001378452.1 (MANE Select); coding-DNA position 279, C replaced by A.
Protein change: p.His93Gln; replaces histidine 93 with glutamine.
Molecular consequence: missense variant.
Genome position (GRCh38, 1-based): chr3:4,627,878, C>A. VCF-style: chr3-4627878-C-A. GRCh37 (hg19) VCF-style: chr3-4669562-C-A.
Other names: c.279C>A, p.His93Gln (NM_001099952.4, NM_001168272.2, NM_002222.7); short protein forms H93Q.
Identifiers: ClinVar variation 1998980 (VCV001998980.4), dbSNP rs371299264, ClinGen allele CA351631113.